The following is an entry in ClinVar:

ClinVar aggregate classification (germline): Likely benign. Review status: criteria provided, multiple submitters, no conflicts (2 of 4 stars). 6 submissions from 3 submitters: Likely benign (6). Last evaluated 2023-04-11.

Conditions:
Hypokalemic periodic paralysis, type 1. Also called: Hypokalemic Periodic Paralysis Type 1 (AD); HypoPP. Identifiers: Orphanet 681, MedGen C3714580, MONDO:0042979, OMIM 170400.
Malignant hyperthermia, susceptibility to, 5 (MHS5). Also called: CACNA1S-Related Malignant Hyperthermia Susceptibility. Identifiers: Orphanet 423, MedGen C1866077, MONDO:0011163, OMIM 601887.
Congenital myopathy 18. Also called: DIHYDROPYRIDINE RECEPTOR CONGENITAL MYOPATHY; DHPR CONGENITAL MYOPATHY; Myopathy, congenital, due to dihydropyridine receptor defect. Identifiers: MedGen C5830283, MONDO:0859514, OMIM 620246.
Thyrotoxic periodic paralysis, susceptibility to, 1 (TTPP1). Identifiers: Orphanet 79102, MedGen C2749982, MONDO:0008570, OMIM 188580.

Allele frequency attached by ClinVar (database versions not stated): gnomAD below 0.00001 and 0.00001; TOPMed below 0.00001; ExAC 0.00004; gnomAD exomes 0.00006; 1000 Genomes Project 0.00020; 1000 Genomes Project 30x 0.00031.
gnomAD v4.1: 41 of 1,614,174 alleles (0.0025%); highest among the groups gnomAD compares: South Asian, 0.044%; 2 homozygotes.

Submissions (6):

Genome-Nilou Lab
Classification: Likely benign for Malignant hyperthermia, susceptibility to, 5. Last evaluated: 2023-04-11. Review status: criteria provided, single submitter. Criteria: ACMG Guidelines, 2015. Collection method: clinical testing. Allele origin: germline. Affected: no.

Genome-Nilou Lab
Classification: Likely benign for Thyrotoxic periodic paralysis, susceptibility to, 1. Last evaluated: 2023-04-11. Review status: criteria provided, single submitter. Criteria: ACMG Guidelines, 2015. Collection method: clinical testing. Allele origin: germline. Affected: no.

Genome-Nilou Lab
Classification: Likely benign for Congenital myopathy 18. Last evaluated: 2023-04-11. Review status: criteria provided, single submitter. Criteria: ACMG Guidelines, 2015. Collection method: clinical testing. Allele origin: germline. Affected: no.

Genome-Nilou Lab
Classification: Likely benign for Hypokalemic periodic paralysis, type 1. Last evaluated: 2023-04-11. Review status: criteria provided, single submitter. Criteria: ACMG Guidelines, 2015. Collection method: clinical testing. Allele origin: germline. Affected: no.

Labcorp Genetics (formerly Invitae), Labcorp
Classification: Likely benign for Hypokalemic periodic paralysis, type 1; Malignant hyperthermia, susceptibility to, 5. Last evaluated: 2022-02-04. Review status: criteria provided, single submitter. Criteria: Invitae Variant Classification Sherloc (09022015). Collection method: clinical testing. Allele origin: germline.

Illumina Laboratory Services, Illumina
Classification: Likely benign for Hypokalemic periodic paralysis, type 1. Last evaluated: 2018-01-13. Review status: criteria provided, single submitter. Criteria: ICSL Variant Classification Criteria 13 December 2019. Collection method: clinical testing. Allele origin: germline.
Comment: This variant was observed in the ICSL laboratory as part of a predisposition screen in an ostensibly healthy population. It had not been previously curated by ICSL or reported in the Human Gene Mutation Database (HGMD: prior to June 1st, 2018), and was therefore a candidate for classification through an automated scoring system. Utilizing variant allele frequency, disease prevalence and penetrance estimates, and inheritance mode, an automated score was calculated to assess if this variant is too frequent to cause the disease. Based on the score and internal cut-off values, a variant classified as likely benign is not then subjected to further curation. The score for this variant resulted in a classification of likely benign for this disease.

NM_000069.3(CACNA1S):c.1813A>G (p.Ile605Val)

Gene: CACNA1S (calcium voltage-gated channel subunit alpha1 S; minus strand). Cytogenetic location: 1q32.1.
Variant type: single nucleotide variant.
Coding change: c.1813A>G on transcript NM_000069.3 (MANE Select); coding-DNA position 1813, A replaced by G.
Protein change: p.Ile605Val; replaces isoleucine 605 with valine.
Molecular consequence: missense variant.
Genome position (GRCh38, 1-based): chr1:201,076,934, T>C on the plus strand (A>G on the coding strand, the complement: CACNA1S is on the minus strand). VCF-style: chr1-201076934-T-C. GRCh37 (hg19) VCF-style: chr1-201046062-T-C.
Other names: short protein forms I605V.
Identifiers: ClinVar variation 294756 (VCV000294756.15), dbSNP rs550246898, ClinGen allele CA078577.